The following is an entry in ClinVar:

ClinVar aggregate classification (germline): Pathogenic (1 of 4 stars; one submission).

Conditions:
PMM2-congenital disorder of glycosylation. Also called: CDG Ia; JAEKEN SYNDROME; PHOSPHOMANNOMUTASE 2 DEFICIENCY; CARBOHYDRATE-DEFICIENT GLYCOPROTEIN SYNDROME, TYPE Ia; Congenital disorder of glycosylation, type Ia; PMM2-CDG. Identifiers: Orphanet 79318, MedGen C0349653, MONDO:0008907, OMIM 212065.

Submission:

Labcorp Genetics (formerly Invitae), Labcorp
Classification: Pathogenic for PMM2-congenital disorder of glycosylation. Last evaluated: 2023-08-18. Review status: criteria provided, single submitter. Criteria: Invitae Variant Classification Sherloc (09022015). Collection method: clinical testing. Allele origin: unknown.
Comment: For these reasons, this variant has been classified as Pathogenic. This variant has not been reported in the literature in individuals affected with PMM2-related conditions. This variant is a gross deletion of the genomic region encompassing exon(s) 2 of the PMM2 gene. This deletion is out-of-frame, and is expected to create a premature termination codon and result in an absent or disrupted protein product. Loss-of-function variants in PMM2 are known to be pathogenic (PMID: 19862844).

Literature cited by the submitters: PubMed 19862844.

NC_000016.9:g.(?_8895636)_(8895787_?)del

Gene: PMM2 (phosphomannomutase 2; plus strand). Cytogenetic location: 16p13.2.
Variant type: Deletion.
Identifiers: ClinVar variation 3243359 (VCV003243359.1).